The following is an entry in ClinVar:

NC_000022.10:g.(?_36677322)_(36712715_36714251)dup

Gene: MYH9 (myosin heavy chain 9; minus strand). Cytogenetic location: 22q12.3.
Variant type: Duplication.
Identifiers: ClinVar variation 2445838 (VCV002445838.1).

ClinVar aggregate classification (germline): Uncertain significance (1 of 4 stars; one submission).

Submission:

Women's Health and Genetics/Laboratory Corporation of America, LabCorp
Classification: Uncertain significance. Last evaluated: 2023-02-14. Review status: criteria provided, single submitter. Criteria: LabCorp Variant Classification Summary - May 2015. Collection method: clinical testing. Allele origin: germline.
Comment: Variant summary: The variant identified by MLPA or other technology involves the duplication of exons 12-41 in the MYH9 gene. A presumed nomenclature of c.(1227+1_1228-1)_(*1392_?)dup has been designated for the purposes of this classification. It has been assumed that this is a tandem duplication in direct orientation (Richardson_GIM_2018, Newman_AJHG_2015). Although exact breakpoints of this CNV are not known, it is expected to result in a large duplication change in the MYH9 gene, involving the last exon. The variant was absent in 21694 control chromosomes (gnomAD, Structural Variants dataset). However, a variant allele including duplication of partial exon 11 and extending downstream of the MYH9 gene, involving additional genes, was found at a frequency of 0.0018 in 21694 control chromosomes, predominantly at a frequency of 0.0041 within the African or African-American population in the gnomAD database. To our knowledge, no occurrence of c.(1227+1_1228-1)_(*1392_?)dup in individuals affected with Macrothrombocytopenia And Granulocyte Inclusions With Or Without Nephritis Or Sensorineural Hearing Loss and no experimental evidence demonstrating its impact on protein function have been reported. One submitter has provided a clinical-significance assessment for a large duplication variant involving this region to ClinVar after 2014 without evidence for independent evaluation, and classified the variant as benign. Based on the evidence outlined above, the variant was classified as uncertain significance.